The following is an entry in ClinVar:

ClinVar aggregate classification (germline): Uncertain significance. Review status: criteria provided, multiple submitters, no conflicts (2 of 4 stars). 3 submissions from 3 submitters: Uncertain significance (3). Last evaluated 2026-08-18.

Conditions:
CEP164-related disorder. Also called: CEP164-related condition.
Nephronophthisis 15 (NPHP15). Identifiers: Orphanet 3156, MedGen C3541853, MONDO:0013917, OMIM 614845.

Allele frequency attached by ClinVar (database versions not stated): gnomAD 0.00001; gnomAD exomes 0.00001; ExAC 0.00002.
gnomAD v4.1: 20 of 1,613,558 alleles (0.0012%); highest among the groups gnomAD compares: African/African-American, 0.0054%; no homozygotes.

Submissions (3):

PreventionGenetics, part of Exact Sciences
Classification: Uncertain significance for CEP164-related condition. Last evaluated: 2026-08-18. Review status: criteria provided, single submitter. Criteria: ACMG Guidelines, 2015. Collection method: clinical testing. Allele origin: germline.
Comment: The CEP164 c.278G>A variant is predicted to result in the amino acid substitution p.Arg93Gln. To our knowledge, this variant has not been reported in the literature. Another alteration at the same amino acid position (p.Arg93Trp) has been reported in the literature in the homozygous or compound heterozygous state in individuals with ciliopathies (Chaki et al. 2012. PubMed ID: 22863007; Maria et al. 2016. PubMed ID: 27708425). This variant is reported in 0.0018% of alleles in individuals of European (Non-Finnish) descent in gnomAD. At this time, the clinical significance of this variant is uncertain due to the absence of conclusive functional and genetic evidence.

Fulgent Genetics
Classification: Uncertain significance for Nephronophthisis 15. Last evaluated: 2024-05-16. Review status: criteria provided, single submitter. Criteria: ACMG Guidelines, 2015. Collection method: clinical testing. Allele origin: germline.

Labcorp Genetics (formerly Invitae), Labcorp
Classification: Uncertain significance for Nephronophthisis 15. Last evaluated: 2022-07-21. Review status: criteria provided, single submitter. Criteria: Invitae Variant Classification Sherloc (09022015). Collection method: clinical testing. Allele origin: germline.
Comment: This sequence change replaces arginine, which is basic and polar, with glutamine, which is neutral and polar, at codon 93 of the CEP164 protein (p.Arg93Gln). This variant is present in population databases (rs778624233, gnomAD 0.002%). This variant has not been reported in the literature in individuals affected with CEP164-related conditions. Algorithms developed to predict the effect of missense changes on protein structure and function (SIFT, PolyPhen-2, Align-GVGD) all suggest that this variant is likely to be disruptive. This variant disrupts the p.Arg93 amino acid residue in CEP164. Other variant(s) that disrupt this residue have been determined to be pathogenic (PMID: 22863007, 25340510, 27708425). This suggests that this residue is clinically significant, and that variants that disrupt this residue are likely to be disease-causing. In summary, the available evidence is currently insufficient to determine the role of this variant in disease. Therefore, it has been classified as a Variant of Uncertain Significance.

Literature cited by the submitters: PubMed 22863007 (cited by Labcorp Genetics (formerly Invitae), Labcorp); PubMed 25340510 (cited by Labcorp Genetics (formerly Invitae), Labcorp); PubMed 27708425 (cited by Labcorp Genetics (formerly Invitae), Labcorp).

NM_014956.5(CEP164):c.278G>A (p.Arg93Gln)

Gene: CEP164 (centrosomal protein 164; plus strand). Cytogenetic location: 11q23.3.
Variant type: single nucleotide variant.
Coding change: c.278G>A on transcript NM_014956.5 (MANE Select); coding-DNA position 278, G replaced by A.
Protein change: p.Arg93Gln; replaces arginine 93 with glutamine.
Molecular consequence: missense variant.
Genome position (GRCh38, 1-based): chr11:117,351,873, G>A. VCF-style: chr11-117351873-G-A. GRCh37 (hg19) VCF-style: chr11-117222589-G-A.
Other names: c.278G>A, p.Arg93Gln (NM_001271933.2); c.278G>A (NM_014956.4); short protein forms R93Q.
Identifiers: ClinVar variation 2149237 (VCV002149237.3), dbSNP rs778624233, ClinGen allele CA6294386.